The following is an entry in ClinVar:

ClinVar aggregate classification (germline): Uncertain significance (1 of 4 stars; one submission).

Conditions:
Retinitis pigmentosa 39 (RP39). Identifiers: Orphanet 791, MedGen C3151138, MONDO:0013436, OMIM 613809.

Submission:

Neuberg Centre For Genomic Medicine, NCGM
Classification: Uncertain significance for Retinitis pigmentosa 39. Review status: criteria provided, single submitter. Criteria: ACMG Guidelines, 2015. Collection method: clinical testing. Allele origin: germline. Inheritance: Autosomal recessive inheritance. Affected: yes.
Comment: The variant has not been reported previously as a pathogenic variant nor as a benign variant, to our knowledge. The amino acid Lys at position 5192 is changed to a Glu changing protein sequence and it might alter its composition and physico-chemical properties. The variant is predicted to be damaging by SIFT and the residue is conserved across species. The amino acid change p.Lys5192Glu in USH2A is predicted as conserved by GERP++ and PhyloP across 100 vertebrates. The p.Lys5192Glu variant is novel (not in any individuals) in gnomAD Exomes and 1000 Genomes. For these reasons, this variant has been classified as uncertain significance .

NM_206933.4(USH2A):c.15574A>G (p.Lys5192Glu)

Gene: USH2A (usherin; minus strand). Cytogenetic location: 1q41.
Variant type: single nucleotide variant.
Coding change: c.15574A>G on transcript NM_206933.4 (MANE Select); coding-DNA position 15574, A replaced by G.
Protein change: p.Lys5192Glu; replaces lysine 5192 with glutamic acid.
Molecular consequence: missense variant.
Genome position (GRCh38, 1-based): chr1:215,625,816, T>C on the plus strand (A>G on the coding strand, the complement: USH2A is on the minus strand). VCF-style: chr1-215625816-T-C. GRCh37 (hg19) VCF-style: chr1-215799158-T-C.
Other names: short protein forms K5192E.
Identifiers: ClinVar variation 2584892 (VCV002584892.1), dbSNP rs947921463, ClinGen allele CA37365923.
Genomic context (GRCh38, chr1:215,625,816, plus strand): 5'-GTTACGTCTTCTGGGTTTCCATCCTTTACAGGTGGGTGTCTGTGAATGTGGTGCGTTCCT[T>C]AGTCACTGAGCTGAAATCCTTGATGGCGTTCATCAGGTCCTCTTCATCCACATACTGAAA-3'
Protein context (NP_996816.3, residues 5182-5202): NAIKDFSSVT[Lys5192Glu]ERTTFTDTHL